The following is an entry in ClinVar:

ClinVar aggregate classification (germline): Uncertain significance. Review status: criteria provided, multiple submitters, no conflicts (2 of 4 stars). 4 submissions from 4 submitters: Uncertain significance (3). 1 of the submissions does not count toward it. Last evaluated 2025-04-07.

Conditions:
Hereditary cancer-predisposing syndrome. Also called: Hereditary Cancer Syndrome; Hereditary neoplastic syndrome; Neoplastic Syndromes, Hereditary; Tumor predisposition. Identifiers: Orphanet 140162, MedGen C0027672, MeSH D009386, MONDO:0015356.
Prostate cancer, hereditary, 1 (HPC1). Identifiers: Orphanet 1331, MedGen C4722327, MONDO:0011098, OMIM 601518.

Submissions (4):

Dasa
Classification: Uncertain significance. Last evaluated: 2025-04-07. Review status: criteria provided, single submitter. Criteria: DASA Assertion Criteria. Collection method: clinical testing. Allele origin: germline.
Comment: NM_006361.6(HOXB13):c.248T>C (p.Phe83Ser) is a missense variant that results in the substitution of phenylalanine with serine. This variant is absent from population databases. The currently available literature and clinical evidence are not sufficient to establish a definitive association between this variant and the reported condition. Therefore, this variant is classified as a variant of uncertain significance.

Labcorp Genetics (formerly Invitae), Labcorp
Classification: Uncertain significance. Last evaluated: 2025-02-28. Review status: criteria provided, single submitter. Criteria: Invitae Variant Classification Sherloc (09022015). Collection method: clinical testing. Allele origin: germline.
Comment: This sequence change replaces phenylalanine, which is neutral and non-polar, with serine, which is neutral and polar, at codon 83 of the HOXB13 protein (p.Phe83Ser). This variant is not present in population databases (gnomAD no frequency). This variant has not been reported in the literature in individuals affected with HOXB13-related conditions. ClinVar contains an entry for this variant (Variation ID: 690666). Invitae Evidence Modeling of protein sequence and biophysical properties (such as structural, functional, and spatial information, amino acid conservation, physicochemical variation, residue mobility, and thermodynamic stability) indicates that this missense variant is not expected to disrupt HOXB13 protein function with a negative predictive value of 80%. In summary, the available evidence is currently insufficient to determine the role of this variant in disease. Therefore, it has been classified as a Variant of Uncertain Significance.

Ambry Genetics
Classification: Uncertain significance for Hereditary cancer-predisposing syndrome. Last evaluated: 2023-07-03. Review status: criteria provided, single submitter. Criteria: Ambry Variant Classification Scheme 2023. Collection method: clinical testing. Allele origin: germline.
Comment: The p.F83S variant (also known as c.248T>C), located in coding exon 1 of the HOXB13 gene, results from a T to C substitution at nucleotide position 248. The phenylalanine at codon 83 is replaced by serine, an amino acid with highly dissimilar properties. This amino acid position is well conserved in available vertebrate species. In addition, the in silico prediction for this alteration is inconclusive. Since supporting evidence is limited at this time, the clinical significance of this alteration remains unclear.

Laboratory of Virology, Microbiology,  Quality and Medical Biotechnologies, Faculty of Sciences and Techniques - Mohammedia, Hassan II University of Casablanca
Classification: Uncertain significance for Prostate cancer, hereditary, 1. Review status: no assertion criteria provided. Collection method: clinical testing. Allele origin: somatic. Affected: yes. Not counted in ClinVar's aggregate classification.

NM_006361.6(HOXB13):c.248T>C (p.Phe83Ser)

Gene: HOXB13 (homeobox B13; minus strand). Cytogenetic location: 17q21.32.
Variant type: single nucleotide variant.
Coding change: c.248T>C on transcript NM_006361.6 (MANE Select); coding-DNA position 248, T replaced by C.
Protein change: p.Phe83Ser; replaces phenylalanine 83 with serine.
Molecular consequence: missense variant.
Genome position (GRCh38, 1-based): chr17:48,728,346, A>G on the plus strand (T>C on the coding strand, the complement: HOXB13 is on the minus strand). VCF-style: chr17-48728346-A-G. GRCh37 (hg19) VCF-style: chr17-46805708-A-G.
Other names: short protein forms F83S.
Identifiers: ClinVar variation 690666 (VCV000690666.19), dbSNP rs1597934674, ClinGen allele CA400107842.